The following is an entry in ClinVar:

ClinVar aggregate classification (germline): Conflicting classifications of pathogenicity. Review status: criteria provided, conflicting classifications (1 of 4 stars). 7 submissions from 7 submitters: Uncertain significance (1); Benign (1); Likely benign (3). 2 of the submissions do not count toward it. Last evaluated 2026-05-01.

Conditions:
Intellectual developmental disorder, autosomal dominant 45. Also called: MENTAL RETARDATION, AUTOSOMAL DOMINANT 45; Intellectual disability, autosomal dominant 45. Identifiers: MedGen C4539848, MONDO:0030910, OMIM 617600.

Allele frequency attached by ClinVar (database versions not stated): ExAC below 0.00001; 1000 Genomes Project 30x 0.00094; TOPMed 0.00283; gnomAD 0.00293 and 0.00316; gnomAD exomes 0.00381.
gnomAD v4.1: 1,383 of 398,484 alleles (0.35%); highest among the groups gnomAD compares: Non-Finnish European, 0.52%; 2 homozygotes.

Submissions (7):

CeGaT Center for Human Genetics Tuebingen
Classification: Likely benign. Last evaluated: 2026-05-01. Review status: criteria provided, single submitter. Criteria: CeGaT Center For Human Genetics Tuebingen Variant Classification Criteria Version 2. Collection method: clinical testing. Allele origin: germline. Affected: yes. Observed: 32 variant alleles.
Comment: CIC: BS1

Laboratory of Genetics, Children's Clinical University Hospital Latvia
Classification: Benign. Last evaluated: 2025-02-16. Review status: criteria provided, single submitter. Criteria: ACMG Guidelines, 2015. Collection method: clinical testing. Allele origin: germline. Affected: yes.

Blueprint Genetics
Classification: Likely benign. Last evaluated: 2024-11-28. Review status: criteria provided, single submitter. Criteria: ACMG Guidelines, 2015. Collection method: clinical testing. Allele origin: germline.

Victorian Clinical Genetics Services, Murdoch Childrens Research Institute
Classification: Likely benign for Intellectual developmental disorder, autosomal dominant 45. Last evaluated: 2022-02-02. Review status: criteria provided, single submitter. Criteria: ACMG Guidelines, 2015. Collection method: clinical testing. Allele origin: germline. Inheritance: Autosomal dominant inheritance.
Comment: Based on the classification scheme VCGS_Germline_v1.3.4, this variant is classified as likely benign. Following criteria are met: 0308 - Population frequency for this variant is out of keeping with known incidence of intellectual disability, autosomal dominant 45 (MIM#617600). (SB) Legend: (SP) - Supporting pathogenic, (I) - Information, (SB) - Supporting benign

New York Genome Center
Classification: Uncertain significance for Intellectual developmental disorder, autosomal dominant 45. Last evaluated: 2019-05-24. Review status: criteria provided, single submitter. Criteria: NYGC Assertion Criteria 2020. Collection method: clinical testing. Allele origin: germline. Observed: 1 heterozygote. Study: CSER-NYCKidSeq.

Clinical Genetics DNA and cytogenetics Diagnostics Lab, Erasmus MC, Erasmus Medical Center
Classification: Likely benign. Review status: no assertion criteria provided. Collection method: clinical testing. Allele origin: germline. Affected: yes. Study: VKGL Data-share Consensus. Not counted in ClinVar's aggregate classification.

Genome Diagnostics Laboratory, University Medical Center Utrecht
Classification: Likely benign. Review status: no assertion criteria provided. Collection method: clinical testing. Allele origin: germline. Affected: yes. Study: VKGL Data-share Consensus. Not counted in ClinVar's aggregate classification.

NM_001386298.1(CIC):c.577A>T (p.Thr193Ser)

Gene: CIC (capicua transcriptional repressor; plus strand). Cytogenetic location: 19q13.2.
Variant type: single nucleotide variant.
Coding change: c.577A>T on transcript NM_001386298.1 (MANE Select); coding-DNA position 577, A replaced by T.
Protein change: p.Thr193Ser; replaces threonine 193 with serine.
Molecular consequence: missense variant.
Genome position (GRCh38, 1-based): chr19:42,272,360, A>T. VCF-style: chr19-42272360-A-T. GRCh37 (hg19) VCF-style: chr19-42776512-A-T.
Other names: c.577A>T, p.Thr193Ser (NM_001304815.2, NM_001379480.1, NM_001379482.1); short protein forms T193S.
Identifiers: ClinVar variation 983341 (VCV000983341.34), dbSNP rs547565552, ClinGen allele CA9471555.